The following is an entry in ClinVar:

ClinVar aggregate classification (germline): Uncertain significance (1 of 4 stars; one submission).

Conditions:
Cardiovascular phenotype. Identifiers: MedGen CN230736.

Submission:

Ambry Genetics
Classification: Uncertain significance for Cardiovascular phenotype. Last evaluated: 2024-11-30. Review status: criteria provided, single submitter. Criteria: Ambry Variant Classification Scheme 2023. Collection method: clinical testing. Allele origin: germline.
Comment: The p.L226R variant (also known as c.677T>G), located in coding exon 2 of the GAA gene, results from a T to G substitution at nucleotide position 677. The leucine at codon 226 is replaced by arginine, an amino acid with dissimilar properties. This amino acid position is conserved. In addition, this alteration is predicted to be tolerated by in silico analysis. Based on the available evidence, the clinical significance of this variant remains unclear.

NM_000152.5(GAA):c.677T>G (p.Leu226Arg)

Gene: GAA (alpha glucosidase; plus strand). Cytogenetic location: 17q25.3.
Variant type: single nucleotide variant.
Coding change: c.677T>G on transcript NM_000152.5 (MANE Select); coding-DNA position 677, T replaced by G.
Protein change: p.Leu226Arg; replaces leucine 226 with arginine.
Molecular consequence: missense variant.
Genome position (GRCh38, 1-based): chr17:80,105,879, T>G. VCF-style: chr17-80105879-T-G. GRCh37 (hg19) VCF-style: chr17-78079678-T-G.
Other names: c.677T>G, p.Leu226Arg (NM_001079803.3, NM_001079804.3, NM_001406741.1 and 1 more transcripts); short protein forms L226R.
Identifiers: ClinVar variation 3518099 (VCV003518099.1).
Genomic context (GRCh38, chr17:80,105,879, plus strand): 5'-CCCCACTCTACAGCGTGGAGTTCTCCGAGGAGCCCTTCGGGGTGATCGTGCGCCGGCAGC[T>G]GGACGGCCGCGTGCTGTGAGTTCTGGGCTCTGTGCCAGCATGATGGGGAGGGCGACGCGC-3'
Protein context (NP_000143.2, residues 216-236): EPFGVIVRRQ[Leu226Arg]DGRVLLNTTV